The following is an entry in ClinVar:

ClinVar aggregate classification (germline): Uncertain significance (1 of 4 stars; one submission).

Conditions:
Cardiomyopathy (CMYO). Also called: Cardiomyopathies. Identifiers: Orphanet 167848, MedGen C0878544, MONDO:0004994, HP:0001638. Inheritance: Various modes of inheritance.

Submission:

Color Diagnostics, LLC DBA Color Health
Classification: Uncertain significance for Cardiomyopathy. Last evaluated: 2018-12-01. Review status: criteria provided, single submitter. Criteria: ACMG Guidelines, 2015. Collection method: clinical testing. Allele origin: germline.
Comment: Variant of Uncertain Significance due to insufficient evidence: This missense variant is located in the intermediate filament rod domain of the lamin A/C protein. Computational prediction tools and conservation analyses are inconclusive regarding the impact of this variant on the protein function. Computational splicing tools suggest that this variant may not impact RNA splicing. To our knowledge, functional assays have not been performed for this variant nor has this variant been reported in individuals affected with cardiovascular disorders in the literature. This variant is rare in the general population and has been identified in 0/277264 chromosomes by the Genome Aggregation Database (gnomAD). Available evidence is insufficient to determine the pathogenicity of this variant conclusively.

NM_170707.4(LMNA):c.141C>A (p.Asp47Glu)

Gene: LMNA (lamin A/C; plus strand). Cytogenetic location: 1q22.
Variant type: single nucleotide variant.
Coding change: c.141C>A on transcript NM_170707.4 (MANE Select); coding-DNA position 141, C replaced by A.
Protein change: p.Asp47Glu; replaces aspartic acid 47 with glutamic acid.
Molecular consequence: missense variant.
Genome position (GRCh38, 1-based): chr1:156,115,059, C>A. VCF-style: chr1-156115059-C-A. GRCh37 (hg19) VCF-style: chr1-156084850-C-A.
Other names: c.141C>A, p.Asp47Glu (NM_001282625.2, NM_001282626.2, NM_005572.4 and 1 more transcripts); short protein forms D47E.
Identifiers: ClinVar variation 922176 (VCV000922176.3), dbSNP rs1649715628, ClinGen allele CA342807911.
Genomic context (GRCh38, chr1:156,115,059, plus strand): 5'-CCGGCTGCAGGAGAAGGAGGACCTGCAGGAGCTCAATGATCGCTTGGCGGTCTACATCGA[C>A]CGTGTGCGCTCGCTGGAAACGGAGAACGCAGGGCTGCGCCTTCGCATCACCGAGTCTGAA-3'
Protein context (NP_733821.1, residues 37-57): ELNDRLAVYI[Asp47Glu]RVRSLETENA